The following is an entry in ClinVar:

ClinVar aggregate classification (germline): Pathogenic (1 of 4 stars; one submission).

Conditions:
Hypertrophic cardiomyopathy. Also called: HYPERTROPHIC MYOCARDIOPATHY. Identifiers: Orphanet 217569, MedGen C0007194, MeSH D002312, MONDO:0005045, HP:0001639.

Submission:

Labcorp Genetics (formerly Invitae), Labcorp
Classification: Pathogenic for Hypertrophic cardiomyopathy. Last evaluated: 2023-11-17. Review status: criteria provided, single submitter. Criteria: Invitae Variant Classification Sherloc (09022015). Collection method: clinical testing. Allele origin: unknown.
Comment: This variant is a gross deletion of the genomic region encompassing exon(s) 1-9 of the MYBPC3 gene, which includes the initiator codon. This deletion extends beyond the assayed region for this gene and therefore may encompass additional genes. It is expected to result in an absent or disrupted protein product. Loss-of-function variants in MYBPC3 are known to be pathogenic (PMID: 19574547). This variant has not been reported in the literature in individuals affected with MYBPC3-related conditions. For these reasons, this variant has been classified as Pathogenic.

Literature cited by the submitters: PubMed 19574547.

NC_000011.9:g.(?_47368957)_(47374198_?)del

Gene: MYBPC3 (myosin binding protein C3; minus strand). Cytogenetic location: 11p11.2.
Variant type: Deletion.
Identifiers: ClinVar variation 3244522 (VCV003244522.1).